The following is an entry in ClinVar:

ClinVar aggregate classification (germline): Pathogenic/Likely pathogenic. Review status: criteria provided, multiple submitters, no conflicts (2 of 4 stars). 4 submissions from 4 submitters: Pathogenic (1); Likely pathogenic (3). Last evaluated 2025-08-04.

Conditions:
Tatton-Brown-Rahman overgrowth syndrome. Also called: Tall stature-intellectual disability-facial dysmorphism syndrome; Tatton-Brown-Rahman syndrome. Identifiers: Orphanet 404443, MedGen C4014545, MONDO:0014382, OMIM 615879.
DNMT3A-related disorder. Also called: DNMT3A-related condition; DNMT3A-related disorders.

Allele frequency attached by ClinVar (database versions not stated): gnomAD exomes below 0.00001.

Submissions (4):

PreventionGenetics, part of Exact Sciences
Classification: Likely pathogenic for DNMT3A-related condition. Last evaluated: 2025-08-04. Review status: criteria provided, single submitter. Criteria: ACMG Guidelines, 2015. Collection method: clinical testing. Allele origin: germline.
Comment: The DNMT3A c.890G>A variant is predicted to result in premature protein termination (p.Trp297*). To our knowledge, this variant has not been reported in individuals with DNMT3A-related disease. This variant is reported in 0.00088% of alleles in individuals of European (Non-Finnish) descent in gnomAD. Nonsense variants in DNMT3A are expected to be pathogenic. This variant is interpreted as likely pathogenic.

CeGaT Center for Human Genetics Tuebingen
Classification: Pathogenic. Last evaluated: 2023-01-01. Review status: criteria provided, single submitter. Criteria: CeGaT Center For Human Genetics Tuebingen Variant Classification Criteria Version 2. Collection method: clinical testing. Allele origin: germline. Affected: yes. Observed: 1 variant allele.
Comment: DNMT3A: PVS1, PM2

Institute of Human Genetics, University of Leipzig Medical Center
Classification: Likely pathogenic for Tatton-Brown-Rahman overgrowth syndrome. Last evaluated: 2020-10-08. Review status: criteria provided, single submitter. Criteria: ACMG Guidelines, 2015. Collection method: clinical testing. Allele origin: de novo. Affected: yes.
Comment: This variant was identified as de novo (maternity and paternity confirmed).

Blueprint Genetics
Classification: Likely pathogenic for DNMT3A-related disorders. Last evaluated: 2019-03-04. Review status: criteria provided, single submitter. Criteria: ACMG Guidelines, 2015. Collection method: clinical testing. Allele origin: germline. Affected: yes. Observed: 1 variant allele.

NM_022552.5(DNMT3A):c.890G>A (p.Trp297Ter)

Gene: DNMT3A (DNA methyltransferase 3 alpha; minus strand). Cytogenetic location: 2p23.3.
Variant type: single nucleotide variant.
Coding change: c.890G>A on transcript NM_022552.5 (MANE Select); coding-DNA position 890, G replaced by A.
Protein change: p.Trp297Ter; replaces tryptophan 297 with a stop codon.
Molecular consequence: nonsense. On other transcripts: non-coding transcript variant (1).
Genome position (GRCh38, 1-based): chr2:25,247,715, C>T on the plus strand (G>A on the coding strand, the complement: DNMT3A is on the minus strand). VCF-style: chr2-25247715-C-T. GRCh37 (hg19) VCF-style: chr2-25470584-C-T.
Other names: c.434G>A, p.Trp145Ter (NM_001320893.1); c.221G>A, p.Trp74Ter (NM_001375819.1); c.323G>A, p.Trp108Ter (NM_153759.3); c.890G>A, p.Trp297Ter (NM_175629.2); short protein forms W108*, W145*, W297*, W74*.
Identifiers: ClinVar variation 1285401 (VCV001285401.31), dbSNP rs944608317, ClinGen allele CA43706533.